The following is an entry in ClinVar:

NM_003073.5(SMARCB1):c.-117C>T

Gene: SMARCB1 (SWI/SNF related BAF chromatin remodeling complex subunit B1; plus strand). Cytogenetic location: 22q11.23.
Variant type: single nucleotide variant.
Coding change: c.-117C>T on transcript NM_003073.5 (MANE Select); 117 bases upstream of the start codon, C replaced by T.
Molecular consequence: 5 prime UTR variant.
Genome position (GRCh38, 1-based): chr22:23,787,053, C>T. VCF-style: chr22-23787053-C-T. GRCh37 (hg19) VCF-style: chr22-24129240-C-T.
Other names: c.-117C>T (LRG_520t1, NM_001007468.3, NM_001317946.2 and 1 more transcripts).
Identifiers: ClinVar variation 340908 (VCV000340908.9), dbSNP rs11090285, ClinGen allele CA10653905.

ClinVar aggregate classification (germline): Benign. Review status: criteria provided, multiple submitters, no conflicts (2 of 4 stars). 4 submissions from 3 submitters: Benign (4). Last evaluated 2018-06-23.

Conditions:
Rhabdoid tumor predisposition syndrome 1 (RTPS1). Also called: Familial Posterior Fossa Brain Tumor of Infancy. Identifiers: Orphanet 231108, Orphanet 69077, MedGen C1836327, MONDO:0012252, OMIM 609322.
SMARCB1-related schwannomatosis. Also called: SWNTS1; Schwannomatosis 1. Identifiers: Orphanet 93921, MedGen C4048809, MONDO:0024517, OMIM 162091. Disease mechanism: loss of function.

Allele frequency attached by ClinVar (database versions not stated): TOPMed 0.07814; gnomAD 0.08005; 1000 Genomes Project 30x 0.09525; 1000 Genomes Project 0.09585.

Submissions (4):

GeneDx
Classification: Benign. Last evaluated: 2018-06-23. Review status: criteria provided, single submitter. Criteria: GeneDx Variant Classification Process June 2021. Collection method: clinical testing. Allele origin: germline. Affected: yes.

Illumina Laboratory Services, Illumina
Classification: Benign for SMARCB1-related schwannomatosis. Last evaluated: 2018-01-13. Review status: criteria provided, single submitter. Criteria: ICSL Variant Classification Criteria 13 December 2019. Collection method: clinical testing. Allele origin: germline.
Comment: This variant was observed in the ICSL laboratory as part of a predisposition screen in an ostensibly healthy population. It had not been previously curated by ICSL or reported in the Human Gene Mutation Database (HGMD: prior to June 1st, 2018), and was therefore a candidate for classification through an automated scoring system. Utilizing variant allele frequency, disease prevalence and penetrance estimates, and inheritance mode, an automated score was calculated to assess if this variant is too frequent to cause the disease. Based on the score and internal cut-off values, a variant classified as benign is not then subjected to further curation. The score for this variant resulted in a classification of benign for this disease.

Illumina Laboratory Services, Illumina
Classification: Benign for Rhabdoid tumor predisposition syndrome 1. Last evaluated: 2018-01-13. Review status: criteria provided, single submitter. Criteria: ICSL Variant Classification Criteria 13 December 2019. Collection method: clinical testing. Allele origin: germline.
Comment: the same text as in the submission from Illumina Laboratory Services, Illumina above.

Breakthrough Genomics
Classification: Benign. Review status: criteria provided, single submitter. Criteria: ACMG Guidelines, 2015. Collection method: not provided. Allele origin: germline. Inheritance: Autosomal dominant inheritance. Affected: yes.